The following is an entry in ClinVar:

NM_005560.6(LAMA5):c.1417+93A>G

Gene: LAMA5 (laminin subunit alpha 5; minus strand). Cytogenetic location: 20q13.33.
Variant type: single nucleotide variant.
Coding change: c.1417+93A>G on transcript NM_005560.6 (MANE Select); 93 bases into the intron after coding-DNA position 1417, A replaced by G.
Molecular consequence: intron variant.
Genome position (GRCh38, 1-based): chr20:62,345,988, T>C on the plus strand (A>G on the coding strand, the complement: LAMA5 is on the minus strand). VCF-style: chr20-62345988-T-C. GRCh37 (hg19) VCF-style: chr20-60921044-T-C.
Identifiers: ClinVar variation 1297291 (VCV001297291.10), dbSNP rs4925386, ClinGen allele CA14824025.

ClinVar aggregate classification (germline): Benign. Review status: criteria provided, multiple submitters, no conflicts (2 of 4 stars). 3 submissions from 3 submitters: Benign (3). Last evaluated 2026-02-04.

Allele frequency attached by ClinVar (database versions not stated): 1000 Genomes Project 30x 0.52920; 1000 Genomes Project 0.54213; TOPMed 0.54743; gnomAD 0.55535 and 0.56172.
gnomAD v4.1: 1,047,272 of 1,582,194 alleles (66%); highest among the groups gnomAD compares: East Asian, 78%; 354,759 homozygotes.

Submissions (3):

Labcorp Genetics (formerly Invitae), Labcorp
Classification: Benign. Last evaluated: 2026-02-04. Review status: criteria provided, single submitter. Criteria: Invitae Variant Classification Sherloc (09022015). Collection method: clinical testing. Allele origin: germline.

GeneDx
Classification: Benign. Last evaluated: 2021-05-12. Review status: criteria provided, single submitter. Criteria: GeneDx Variant Classification Process June 2021. Collection method: clinical testing. Allele origin: germline. Affected: yes.
Comment: This variant is associated with the following publications: (PMID: 21761138)

Breakthrough Genomics
Classification: Benign. Review status: criteria provided, single submitter. Criteria: ACMG Guidelines, 2015. Collection method: not provided. Allele origin: germline. Inheritance: Autosomal recessive inheritance. Affected: yes.